The following is an entry in ClinVar:

NM_001378457.1(DMXL2):c.1523T>A (p.Met508Lys)

Gene: DMXL2 (Dmx like 2; minus strand). Cytogenetic location: 15q21.2.
Variant type: single nucleotide variant.
Coding change: c.1523T>A on transcript NM_001378457.1 (MANE Select); coding-DNA position 1523, T replaced by A.
Protein change: p.Met508Lys; replaces methionine 508 with lysine.
Molecular consequence: missense variant. On other transcripts: non-coding transcript variant (2).
Genome position (GRCh38, 1-based): chr15:51,537,582, A>T on the plus strand (T>A on the coding strand, the complement: DMXL2 is on the minus strand). VCF-style: chr15-51537582-A-T. GRCh37 (hg19) VCF-style: chr15-51829779-A-T.
Other names: c.1523T>A, p.Met508Lys (NM_001174116.3, NM_001174117.3, NM_001378458.1 and 6 more transcripts); c.1283T>A, p.Met428Lys (NM_001378464.1); short protein forms M428K, M508K.
Identifiers: ClinVar variation 2047628 (VCV002047628.1), dbSNP rs778346881, ClinGen allele CA7562572.

ClinVar aggregate classification (germline): Uncertain significance (1 of 4 stars; one submission).

gnomAD v4.1: 11 of 1,613,918 alleles (0.00068%); highest among the groups gnomAD compares: East Asian, 0.018%; no homozygotes.

Submission:

Labcorp Genetics (formerly Invitae), Labcorp
Classification: Uncertain significance. Last evaluated: 2022-10-11. Review status: criteria provided, single submitter. Criteria: Invitae Variant Classification Sherloc (09022015). Collection method: clinical testing. Allele origin: germline.
Comment: This sequence change replaces methionine, which is neutral and non-polar, with lysine, which is basic and polar, at codon 508 of the DMXL2 protein (p.Met508Lys). This variant is present in population databases (rs778346881, gnomAD 0.02%). This variant has not been reported in the literature in individuals affected with DMXL2-related conditions. Algorithms developed to predict the effect of missense changes on protein structure and function are either unavailable or do not agree on the potential impact of this missense change (SIFT: "Tolerated"; PolyPhen-2: "Probably Damaging"; Align-GVGD: "Class C0"). In summary, the available evidence is currently insufficient to determine the role of this variant in disease. Therefore, it has been classified as a Variant of Uncertain Significance.